The following is an entry in ClinVar:

ClinVar aggregate classification (germline): Uncertain significance (1 of 4 stars; one submission).

Conditions:
Hereditary cancer-predisposing syndrome. Also called: Hereditary Cancer Syndrome; Hereditary neoplastic syndrome; Neoplastic Syndromes, Hereditary; Tumor predisposition. Identifiers: Orphanet 140162, MedGen C0027672, MeSH D009386, MONDO:0015356.

Submission:

Ambry Genetics
Classification: Uncertain significance for Hereditary cancer-predisposing syndrome. Last evaluated: 2022-10-31. Review status: criteria provided, single submitter. Criteria: Ambry Variant Classification Scheme 2023. Collection method: clinical testing. Allele origin: germline.
Comment: The c.934-3C>A intronic variant results from a C to A substitution 3 nucleotides upstream from coding exon 11 in the MUTYH gene. This nucleotide position is not well conserved in available vertebrate species. In silico splice site analysis for this alteration is inconclusive. Since supporting evidence is limited at this time, the clinical significance of this alteration remains unclear.

NM_001048174.2(MUTYH):c.850-3C>A

Gene: MUTYH (mutY DNA glycosylase; minus strand). Cytogenetic location: 1p34.1.
Variant type: single nucleotide variant.
Coding change: c.850-3C>A on transcript NM_001048174.2 (MANE Select); 3 bases into the intron before coding-DNA position 850, C replaced by A.
Molecular consequence: intron variant.
Genome position (GRCh38, 1-based): chr1:45,332,089, G>T on the plus strand (C>A on the coding strand, the complement: MUTYH is on the minus strand). VCF-style: chr1-45332089-G-T. GRCh37 (hg19) VCF-style: chr1-45797761-G-T.
Other names: c.505-3C>A (NM_001350651.2, NM_001350650.2); c.574-3C>A (NM_001293192.2, NM_001293196.2); c.850-3C>A (NM_001048171.2, NM_001048173.2, NM_001293195.2); c.895-3C>A (NM_001293190.2); c.925-3C>A (NM_012222.3); c.934-3C>A (NM_001128425.2); c.853-3C>A (NM_001048172.2); c.883-3C>A (NM_001293191.2).
Identifiers: ClinVar variation 1766639 (VCV001766639.3), dbSNP rs1570396211, ClinGen allele CA2580063088.